The following is an entry in ClinVar:

NM_005996.4(TBX3):c.1521G>A (p.Met507Ile)

Gene: TBX3 (T-box transcription factor 3; minus strand). Cytogenetic location: 12q24.21.
Variant type: single nucleotide variant.
Coding change: c.1521G>A on transcript NM_005996.4 (MANE Select); coding-DNA position 1521, G replaced by A.
Protein change: p.Met507Ile; replaces methionine 507 with isoleucine.
Molecular consequence: missense variant.
Genome position (GRCh38, 1-based): chr12:114,674,354, C>T on the plus strand (G>A on the coding strand, the complement: TBX3 is on the minus strand). VCF-style: chr12-114674354-C-T. GRCh37 (hg19) VCF-style: chr12-115112159-C-T.
Other names: c.1581G>A, p.Met527Ile (NM_016569.4); short protein forms M527I, M507I.
Identifiers: ClinVar variation 4992727 (VCV004992727.1).

ClinVar aggregate classification (germline): Uncertain significance (1 of 4 stars; one submission).

Conditions:
TBX3-related disorder. Also called: TBX3-related condition.

Submission:

PreventionGenetics, part of Exact Sciences
Classification: Uncertain significance for TBX3-related condition. Last evaluated: 2026-07-29. Review status: criteria provided, single submitter. Criteria: ACMG Guidelines, 2015. Collection method: clinical testing. Allele origin: germline.
Comment: The TBX3 c.1581G>A variant is predicted to result in the amino acid substitution p.Met527Ile. To our knowledge, this variant has not been reported in the literature or in a large population database (gnomAD), indicating this variant is rare. At this time, the clinical significance of this variant is uncertain due to the absence of conclusive functional and genetic evidence.